The following is an entry in ClinVar:

NM_000384.3(APOB):c.1502A>T (p.Gln501Leu)

Gene: APOB (apolipoprotein B; minus strand). Cytogenetic location: 2p24.1.
Variant type: single nucleotide variant.
Coding change: c.1502A>T on transcript NM_000384.3 (MANE Select); coding-DNA position 1502, A replaced by T.
Protein change: p.Gln501Leu; replaces glutamine 501 with leucine.
Molecular consequence: missense variant.
Genome position (GRCh38, 1-based): chr2:21,029,754, T>A on the plus strand (A>T on the coding strand, the complement: APOB is on the minus strand). VCF-style: chr2-21029754-T-A. GRCh37 (hg19) VCF-style: chr2-21252626-T-A.
Other names: short protein forms Q501L.
Identifiers: ClinVar variation 5027629 (VCV005027629.1).
Genomic context (GRCh38, chr2:21,029,754, plus strand): 5'-AGTGATGGCTTTGTACTTTGGACACATTTCAGGATTGAAGACTTGAGTTCTGGAGTTAAC[T>A]GCTCCATGGTTTGGCCCATATTTCCAATGACCTGCATTGAAGAAAAGAAACAAGAACCCA-3'
Protein context (NP_000375.3, residues 491-511): VIGNMGQTME[Gln501Leu]LTPELKSSIL

ClinVar aggregate classification (germline): Uncertain significance (1 of 4 stars; one submission).

Conditions:
Cardiovascular phenotype. Identifiers: MedGen CN230736.

gnomAD v4.1: 2 of 1,614,056 alleles (0.00012%); highest among the groups gnomAD compares: Non-Finnish European, 0.00017%; no homozygotes.

Submission:

Ambry Genetics
Classification: Uncertain significance for Cardiovascular phenotype. Last evaluated: 2026-07-07. Review status: criteria provided, single submitter. Criteria: Ambry Variant Classification Scheme 2023. Collection method: clinical testing. Allele origin: germline.
Comment: The p.Q501L variant (also known as c.1502A>T), located in coding exon 12 of the APOB gene, results from an A to T substitution at nucleotide position 1502. The glutamine at codon 501 is replaced by leucine, an amino acid with dissimilar properties. This amino acid position is conserved. In addition, this alteration is predicted to be tolerated by in silico analysis. Based on the available evidence, the clinical significance of this variant remains unclear.